The following is an entry in ClinVar:

NM_002474.3(MYH11):c.844C>T (p.His282Tyr)

Gene: MYH11 (myosin heavy chain 11; minus strand). Cytogenetic location: 16p13.11.
Variant type: single nucleotide variant.
Coding change: c.844C>T on transcript NM_002474.3 (MANE Select); coding-DNA position 844, C replaced by T.
Protein change: p.His282Tyr; replaces histidine 282 with tyrosine.
Molecular consequence: missense variant.
Genome position (GRCh38, 1-based): chr16:15,776,123, G>A on the plus strand (C>T on the coding strand, the complement: MYH11 is on the minus strand). VCF-style: chr16-15776123-G-A. GRCh37 (hg19) VCF-style: chr16-15869980-G-A.
Other names: c.865C>T, p.His289Tyr (NM_001040113.2, NM_001040114.2); c.844C>T, p.His282Tyr (NM_022844.3); short protein forms H282Y, H289Y.
Identifiers: ClinVar variation 3387254 (VCV003387254.1).

ClinVar aggregate classification (germline): Uncertain significance (1 of 4 stars; one submission).

Conditions:
Familial thoracic aortic aneurysm and aortic dissection (TAAD). Also called: Thoracic aortic aneurysms and dissections. Identifiers: Orphanet 91387, MedGen C4707243, MONDO:0019625.

Submission:

All of Us Research Program, National Institutes of Health
Classification: Uncertain significance for Familial thoracic aortic aneurysm and aortic dissection. Last evaluated: 2024-08-06. Review status: criteria provided, single submitter. Criteria: ACMG Guidelines, 2015. Collection method: clinical testing. Allele origin: germline. Inheritance: Autosomal dominant inheritance. Observed: 1 variant allele, 1 heterozygote.
Comment: This study involves interpretation of variants in research participants for the purpose of population health screening. Participant phenotype was not available at the time of variant classification. Additional details can be found in publication PMID: 35346344, PMCID: PMC8962531